The following is an entry in ClinVar:

NM_006031.6(PCNT):c.1303G>C (p.Glu435Gln)

Gene: PCNT (pericentrin; plus strand). Cytogenetic location: 21q22.3.
Variant type: single nucleotide variant.
Coding change: c.1303G>C on transcript NM_006031.6 (MANE Select); coding-DNA position 1303, G replaced by C.
Protein change: p.Glu435Gln; replaces glutamic acid 435 with glutamine.
Molecular consequence: missense variant.
Genome position (GRCh38, 1-based): chr21:46,349,779, G>C. VCF-style: chr21-46349779-G-C. GRCh37 (hg19) VCF-style: chr21-47769693-G-C.
Other names: c.949G>C, p.Glu317Gln (NM_001315529.2); short protein forms E435Q, E317Q.
Identifiers: ClinVar variation 4995460 (VCV004995460.1).

ClinVar aggregate classification (germline): Uncertain significance (1 of 4 stars; one submission).

Conditions:
PCNT-related disorder. Also called: PCNT-related condition.

Submission:

PreventionGenetics, part of Exact Sciences
Classification: Uncertain significance for PCNT-related condition. Last evaluated: 2026-01-07. Review status: criteria provided, single submitter. Criteria: ACMG Guidelines, 2015. Collection method: clinical testing. Allele origin: germline.
Comment: The PCNT c.1303G>C variant is predicted to result in the amino acid substitution p.Glu435Gln. To our knowledge, this variant has not been reported in the literature or in a large population database (gnomAD), indicating this variant is rare. At this time, the clinical significance of this variant is uncertain due to the absence of conclusive functional and genetic evidence.